The following is an entry in ClinVar:

ClinVar aggregate classification (germline): Likely benign (0 of 4 stars; one submission).

Conditions:
SEC23IP-related disorder. Also called: SEC23IP-related condition.

Allele frequency attached by ClinVar (database versions not stated): TOPMed below 0.00001; gnomAD 0.00001; gnomAD exomes 0.00001.
gnomAD v4.1: 9 of 1,613,486 alleles (0.00056%); highest among the groups gnomAD compares: East Asian, 0.0045%; no homozygotes.

Submission:

PreventionGenetics, part of Exact Sciences
Classification: Likely benign for SEC23IP-related condition. Last evaluated: 2019-02-26. Review status: no assertion criteria provided. Collection method: clinical testing. Allele origin: germline.
Comment: This variant is classified as likely benign based on ACMG/AMP sequence variant interpretation guidelines (Richards et al. 2015 PMID: 25741868, with internal and published modifications).

NM_007190.4(SEC23IP):c.1836T>C (p.Asn612=)

Gene: SEC23IP (SEC23 interacting protein; plus strand). Cytogenetic location: 10q26.12.
Variant type: single nucleotide variant.
Coding change: c.1836T>C on transcript NM_007190.4 (MANE Select); coding-DNA position 1836, T replaced by C.
Protein change: p.Asn612=; no amino-acid change (asparagine 612 retained).
Molecular consequence: synonymous variant. On other transcripts: non-coding transcript variant (1).
Genome position (GRCh38, 1-based): chr10:119,918,475, T>C. VCF-style: chr10-119918475-T-C. GRCh37 (hg19) VCF-style: chr10-121677987-T-C.
Other names: c.1836T>C, p.Asn612= (NM_001411070.1).
Identifiers: ClinVar variation 3046388 (VCV003046388.2), dbSNP rs1205480013, ClinGen allele CA471646170.
Genomic context (GRCh38, chr10:119,918,475, plus strand): 5'-CCTGTCTAATCAAAAAGATTTGAATTTATCAAAGTGCCCTGGACCTCTTGCTGTTGCTAA[T>C]GGAGTTGTGAAGCAGCTACATTTTCAGGAAAAGCAGGTACGTCTGTACGTGGCCAATTAA-3'
Protein context (NP_009121.1, residues 602-622): SKCPGPLAVA[Asn612=]GVVKQLHFQE